The following is an entry in ClinVar:

ClinVar aggregate classification (germline): Likely benign (1 of 4 stars; one submission).

gnomAD v4.1: 9 of 152,138 alleles (0.0059%); highest among the groups gnomAD compares: African/African-American, 0.022%; no homozygotes.

Submission:

CeGaT Center for Human Genetics Tuebingen
Classification: Likely benign. Last evaluated: 2026-04-01. Review status: criteria provided, single submitter. Criteria: CeGaT Center For Human Genetics Tuebingen Variant Classification Criteria Version 2. Collection method: clinical testing. Allele origin: germline. Affected: yes. Observed: 1 variant allele.
Comment: TRIO: BP4, BP7

NM_007118.4(TRIO):c.5668-999A>G

Gene: TRIO (trio Rho guanine nucleotide exchange factor; plus strand). Cytogenetic location: 5p15.2.
Variant type: single nucleotide variant.
Coding change: c.5668-999A>G on transcript NM_007118.4 (MANE Select); 999 bases into the intron before coding-DNA position 5668, A replaced by G.
Molecular consequence: intron variant.
Genome position (GRCh38, 1-based): chr5:14,464,546, A>G. VCF-style: chr5-14464546-A-G. GRCh37 (hg19) VCF-style: chr5-14464655-A-G.
Identifiers: ClinVar variation 4874350 (VCV004874350.2).